The following is an entry in ClinVar:

ClinVar aggregate classification (germline): Uncertain significance (1 of 4 stars; one submission).

Conditions:
Neurodegeneration with brain iron accumulation 6 (NBIA6). Also called: COASY protein-associated neurodegeneration. Identifiers: Orphanet 397725, MedGen C4517377, MONDO:0014290, OMIM 615643.

Allele frequency attached by ClinVar (database versions not stated): ExAC 0.00001; gnomAD 0.00001; gnomAD exomes 0.00001; TOPMed 0.00001; 1000 Genomes Project 30x 0.00016; 1000 Genomes Project 0.00020.

Submission:

Labcorp Genetics (formerly Invitae), Labcorp
Classification: Uncertain significance for Neurodegeneration with brain iron accumulation 6. Last evaluated: 2025-03-07. Review status: criteria provided, single submitter. Criteria: Invitae Variant Classification Sherloc (09022015). Collection method: clinical testing. Allele origin: germline.
Comment: This sequence change replaces proline, which is neutral and non-polar, with leucine, which is neutral and non-polar, at codon 238 of the COASY protein (p.Pro238Leu). This variant is present in population databases (rs185194604, gnomAD 0.009%). This variant has not been reported in the literature in individuals affected with COASY-related conditions. ClinVar contains an entry for this variant (Variation ID: 1417818). Invitae Evidence Modeling of protein sequence and biophysical properties (such as structural, functional, and spatial information, amino acid conservation, physicochemical variation, residue mobility, and thermodynamic stability) indicates that this missense variant is not expected to disrupt COASY protein function with a negative predictive value of 80%. In summary, the available evidence is currently insufficient to determine the role of this variant in disease. Therefore, it has been classified as a Variant of Uncertain Significance.

NM_025233.7(COASY):c.713C>T (p.Pro238Leu)

Gene: COASY (Coenzyme A synthase; plus strand). Cytogenetic location: 17q21.2.
Variant type: single nucleotide variant.
Coding change: c.713C>T on transcript NM_025233.7 (MANE Select); coding-DNA position 713, C replaced by T.
Protein change: p.Pro238Leu; replaces proline 238 with leucine.
Molecular consequence: missense variant.
Genome position (GRCh38, 1-based): chr17:42,563,973, C>T. VCF-style: chr17-42563973-C-T. GRCh37 (hg19) VCF-style: chr17-40715991-C-T.
Other names: c.713C>T, p.Pro238Leu (NM_001042529.3); c.800C>T, p.Pro267Leu (NM_001042532.4); short protein forms P267L, P238L.
Identifiers: ClinVar variation 1417818 (VCV001417818.8), dbSNP rs185194604, ClinGen allele CA8578048.